The following is an entry in ClinVar:

NM_001199107.2(TBC1D24):c.903G>A (p.Gln301=)

Gene: TBC1D24 (TBC1 domain family member 24; plus strand). Cytogenetic location: 16p13.3.
Variant type: single nucleotide variant.
Coding change: c.903G>A on transcript NM_001199107.2 (MANE Select); coding-DNA position 903, G replaced by A.
Protein change: p.Gln301=; no amino-acid change (glutamine 301 retained).
Molecular consequence: synonymous variant.
Genome position (GRCh38, 1-based): chr16:2,497,051, G>A. VCF-style: chr16-2497051-G-A. GRCh37 (hg19) VCF-style: chr16-2547052-G-A.
Other names: c.903G>A, p.Gln301= (NM_020705.3).
Identifiers: ClinVar variation 227984 (VCV000227984.5), dbSNP rs776739391, ClinGen allele CA10577007.
Genomic context (GRCh38, chr16:2,497,051, plus strand): 5'-CCCTGAGAAGCTGCTGGAGAAAGCGTTCGCCATCCGCCTCTTCTCCCGCAAGGAGATCCA[G>A]CTCCTGCAGATGGCCAATGAGAAAGCCCTGAAGCAGAAGGGCATCACCGTGAAGCAGAAG-3'
Protein context (NP_001186036.1, residues 291-311): AIRLFSRKEI[Gln301=]LLQMANEKAL

ClinVar aggregate classification (germline): Likely benign (1 of 4 stars; one submission).

Submission:

Laboratory for Molecular Medicine, Mass General Brigham Personalized Medicine
Classification: Likely benign. Last evaluated: 2015-05-14. Review status: criteria provided, single submitter. Criteria: LMM Criteria. Collection method: clinical testing. Allele origin: germline. Observed: 1 variant allele.
Comment: p.Gln301Gln in exon 2 of TBC1D24: This variant is not expected to have clinical significance because it does not alter an amino acid residue and is not located within the splice consensus sequence.